The following is an entry in ClinVar:

NM_000512.5(GALNS):c.*367T>C

Gene: GALNS (galactosamine (N-acetyl)-6-sulfatase; minus strand). Cytogenetic location: 16q24.3.
Variant type: single nucleotide variant.
Coding change: c.*367T>C on transcript NM_000512.5 (MANE Select); 367 bases downstream of the stop codon, T replaced by C.
Molecular consequence: 3 prime UTR variant.
Genome position (GRCh38, 1-based): chr16:88,814,072, A>G on the plus strand (T>C on the coding strand, the complement: GALNS is on the minus strand). VCF-style: chr16-88814072-A-G. GRCh37 (hg19) VCF-style: chr16-88880480-A-G.
Other names: c.*367T>C (NM_001323543.2, NM_001323544.2).
Identifiers: ClinVar variation 321176 (VCV000321176.9), dbSNP rs1141390, ClinGen allele CA10649277.
Genomic context (GRCh38, chr16:88,814,072, plus strand): 5'-ACATACTGATCTTGTGTCTCCCTAAGATGTATAAAGGCAAACTGTATCCCCAGCCACCTC[A>G]GGCACCTGTTGTCAGGACCTCCTGAGGCTGTCACAGGTGCATCCTTAACCTTGGCAAAAT-3'

ClinVar aggregate classification (germline): Benign. Review status: criteria provided, multiple submitters, no conflicts (2 of 4 stars). 3 submissions from 3 submitters: Benign (3). Last evaluated 2021-05-11.

Conditions:
Mucopolysaccharidosis, MPS-IV-A (MPS4A). Also called: Mucopolysaccharidosis type IV A; Mucopolysaccharidosis Type IVA; Morquio syndrome A, mild; MORQUIO SYNDROME A; MPS IVA; mucopolysaccharidosis type 4A. Identifiers: Orphanet 309297, Orphanet 582, MedGen C0086651, MONDO:0009659, OMIM 253000.

Allele frequency attached by ClinVar (database versions not stated): gnomAD 0.33207 and 0.33442; TOPMed 0.34088; 1000 Genomes Project 30x 0.37961; 1000 Genomes Project 0.38778.
gnomAD v4.1: 127,283 of 381,070 alleles (33%); highest among the groups gnomAD compares: East Asian, 60%; 22,336 homozygotes.

Submissions (3):

GeneDx
Classification: Benign. Last evaluated: 2021-05-11. Review status: criteria provided, single submitter. Criteria: GeneDx Variant Classification Process June 2021. Collection method: clinical testing. Allele origin: germline. Affected: yes.

Illumina Laboratory Services, Illumina
Classification: Benign for Mucopolysaccharidosis, MPS-IV-A. Last evaluated: 2018-01-12. Review status: criteria provided, single submitter. Criteria: ICSL Variant Classification Criteria 13 December 2019. Collection method: clinical testing. Allele origin: germline.
Comment: This variant was observed in the ICSL laboratory as part of a predisposition screen in an ostensibly healthy population. It had not been previously curated by ICSL or reported in the Human Gene Mutation Database (HGMD: prior to June 1st, 2018), and was therefore a candidate for classification through an automated scoring system. Utilizing variant allele frequency, disease prevalence and penetrance estimates, and inheritance mode, an automated score was calculated to assess if this variant is too frequent to cause the disease. Based on the score and internal cut-off values, a variant classified as benign is not then subjected to further curation. The score for this variant resulted in a classification of benign for this disease.

Breakthrough Genomics
Classification: Benign. Review status: criteria provided, single submitter. Criteria: ACMG Guidelines, 2015. Collection method: not provided. Allele origin: germline. Inheritance: Autosomal recessive inheritance. Affected: yes.